The following is an entry in ClinVar:

NM_001079855.2(GYG2):c.-129+9G>C

Gene: GYG2 (glycogenin 2; plus strand). Cytogenetic location: Xp22.33.
Variant type: single nucleotide variant.
Coding change: c.-129+9G>C on transcript NM_001079855.2 (MANE Select); 9 bases into the intron after 129 bases upstream of the start codon, G replaced by C.
Molecular consequence: intron variant.
Genome position (GRCh38, 1-based): chrX:2,828,984, G>C. VCF-style: chrX-2828984-G-C. GRCh37 (hg19) VCF-style: chrX-2747025-G-C.
Other names: c.-129+9G>C (NM_003918.3, NM_001184703.2, NM_001184702.2); c.-452+9G>C (NM_001184704.2).
Identifiers: ClinVar variation 388413 (VCV000388413.1), dbSNP rs1012936249, ClinGen allele CA16609172.

ClinVar aggregate classification (germline): Likely benign (1 of 4 stars; one submission).

Allele frequency attached by ClinVar (database versions not stated): TOPMed 0.00007; gnomAD 0.00005 and 0.00010.

Submission:

GeneDx
Classification: Likely benign. Last evaluated: 2016-08-09. Review status: criteria provided, single submitter. Criteria: GeneDx Variant Classification (06012015). Collection method: clinical testing. Allele origin: germline. Affected: yes.
Comment: This variant is considered likely benign or benign based on one or more of the following criteria: it is a conservative change, it occurs at a poorly conserved position in the protein, it is predicted to be benign by multiple in silico algorithms, and/or has population frequency not consistent with disease.